The following is an entry in ClinVar:

NM_000368.5(TSC1):c.797C>T (p.Pro266Leu)

Gene: TSC1 (TSC complex subunit 1; minus strand). Cytogenetic location: 9q34.13.
Variant type: single nucleotide variant.
Coding change: c.797C>T on transcript NM_000368.5 (MANE Select); coding-DNA position 797, C replaced by T.
Protein change: p.Pro266Leu; replaces proline 266 with leucine.
Molecular consequence: missense variant.
Genome position (GRCh38, 1-based): chr9:132,912,398, G>A on the plus strand (C>T on the coding strand, the complement: TSC1 is on the minus strand). VCF-style: chr9-132912398-G-A. GRCh37 (hg19) VCF-style: chr9-135787785-G-A.
Other names: c.797C>T, p.Pro266Leu (NM_001162426.2); c.644C>T, p.Pro215Leu (NM_001162427.2); c.434C>T, p.Pro145Leu (NM_001362177.2); short protein forms P266L, P145L, P215L.
Identifiers: ClinVar variation 534472 (VCV000534472.14), dbSNP rs1554817662, ClinGen allele CA375369494.

ClinVar aggregate classification (germline): Uncertain significance. Review status: criteria provided, multiple submitters, no conflicts (2 of 4 stars). 4 submissions from 4 submitters: Uncertain significance (4). Last evaluated 2026-08-20.

Conditions:
Hereditary cancer-predisposing syndrome. Also called: Hereditary Cancer Syndrome; Tumor predisposition; Hereditary neoplastic syndrome; Neoplastic Syndromes, Hereditary. Identifiers: Orphanet 140162, MedGen C0027672, MeSH D009386, MONDO:0015356.
Tuberous sclerosis 1 (TSC1). Identifiers: Orphanet 805, MedGen C1854465, MONDO:0008612, OMIM 191100.

Submissions (4):

Ambry Genetics
Classification: Uncertain significance for Hereditary cancer-predisposing syndrome. Last evaluated: 2026-08-20. Review status: criteria provided, single submitter. Criteria: Ambry Variant Classification Scheme 2023. Collection method: clinical testing. Allele origin: germline.
Comment: The p.P266L variant (also known as c.797C>T), located in coding exon 7 of the TSC1 gene, results from a C to T substitution at nucleotide position 797. The proline at codon 266 is replaced by leucine, an amino acid with similar properties. This amino acid position is highly conserved in available vertebrate species. In addition, this alteration is predicted to be deleterious by in silico analysis. Based on the available evidence, the clinical significance of this variant remains unclear.

Genome-Nilou Lab
Classification: Uncertain significance for Tuberous sclerosis 1. Last evaluated: 2021-11-07. Review status: criteria provided, single submitter. Criteria: ACMG Guidelines, 2015. Collection method: clinical testing. Allele origin: germline. Affected: no.

GeneDx
Classification: Uncertain significance. Last evaluated: 2021-03-17. Review status: criteria provided, single submitter. Criteria: GeneDx Variant Classification Process June 2021. Collection method: clinical testing. Allele origin: germline. Affected: yes.
Comment: Not observed in large population cohorts (Lek 2016); In silico analysis supports that this missense variant has a deleterious effect on protein structure/function; Has not been previously published as pathogenic or benign to our knowledge

Labcorp Genetics (formerly Invitae), Labcorp
Classification: Uncertain significance for Tuberous sclerosis 1. Last evaluated: 2017-12-09. Review status: criteria provided, single submitter. Criteria: Invitae Variant Classification Sherloc (09022015). Collection method: clinical testing. Allele origin: germline.
Comment: This variant has not been reported in the literature in individuals with TSC1-related disease. This sequence change replaces proline with leucine at codon 266 of the TSC1 protein (p.Pro266Leu). The proline residue is moderately conserved and there is a moderate physicochemical difference between proline and leucine. This variant is not present in population databases (ExAC no frequency). Algorithms developed to predict the effect of missense changes on protein structure and function do not agree on the potential impact of this missense change (SIFT: "Tolerated"; PolyPhen-2: "Probably Damaging"; Align-GVGD: "Class C0"). In summary, the available evidence is currently insufficient to determine the role of this variant in disease. Therefore, it has been classified as a Variant of Uncertain Significance.